The following is an entry in ClinVar:

NM_004672.5(MAP3K6):c.3070A>G (p.Lys1024Glu)

Gene: MAP3K6 (mitogen-activated protein kinase kinase kinase 6; minus strand). Cytogenetic location: 1p36.11.
Variant type: single nucleotide variant.
Coding change: c.3070A>G on transcript NM_004672.5 (MANE Select); coding-DNA position 3070, A replaced by G.
Protein change: p.Lys1024Glu; replaces lysine 1024 with glutamic acid.
Molecular consequence: missense variant.
Genome position (GRCh38, 1-based): chr1:27,357,722, T>C on the plus strand (A>G on the coding strand, the complement: MAP3K6 is on the minus strand). VCF-style: chr1-27357722-T-C. GRCh37 (hg19) VCF-style: chr1-27684213-T-C.
Other names: c.3046A>G, p.Lys1016Glu (NM_001297609.2); short protein forms K1016E, K1024E.
Identifiers: ClinVar variation 3038494 (VCV003038494.2), dbSNP rs77153547, ClinGen allele CA713199.

ClinVar aggregate classification (germline): Benign (0 of 4 stars; one submission).

Conditions:
MAP3K6-related disorder. Also called: MAP3K6-related condition.

Allele frequency attached by ClinVar (database versions not stated): ExAC 0.00436; gnomAD 0.01226; ESP Exome Variant Server 0.01323; TOPMed 0.01400; 1000 Genomes Project 0.01617.
gnomAD v4.1: 3,732 of 1,611,380 alleles (0.23%); highest among the groups gnomAD compares: African/African-American, 4.1%; 75 homozygotes.

Submission:

PreventionGenetics, part of Exact Sciences
Classification: Benign for MAP3K6-related condition. Last evaluated: 2019-11-06. Review status: no assertion criteria provided. Collection method: clinical testing. Allele origin: germline.
Comment: This variant is classified as benign based on ACMG/AMP sequence variant interpretation guidelines (Richards et al. 2015 PMID: 25741868, with internal and published modifications).